The following is an entry in ClinVar:

ClinVar aggregate classification (germline): Uncertain significance. Review status: criteria provided, multiple submitters, no conflicts (2 of 4 stars). 2 submissions from 2 submitters: Uncertain significance (2). Last evaluated 2024-12-24.

Conditions:
Inborn genetic diseases. Identifiers: MedGen C0950123, MeSH D030342.

Allele frequency attached by ClinVar (database versions not stated): gnomAD 0.00001; TOPMed 0.00001.

Submissions (2):

Ambry Genetics
Classification: Uncertain significance for Inborn genetic diseases. Last evaluated: 2024-12-24. Review status: criteria provided, single submitter. Criteria: Ambry Variant Classification Scheme 2023. Collection method: clinical testing. Allele origin: germline.

Labcorp Genetics (formerly Invitae), Labcorp
Classification: Uncertain significance. Last evaluated: 2023-08-24. Review status: criteria provided, single submitter. Criteria: Invitae Variant Classification Sherloc (09022015). Collection method: clinical testing. Allele origin: germline.
Comment: ClinVar contains an entry for this variant (Variation ID: 2180856). This variant has not been reported in the literature in individuals affected with NEUROG3-related conditions. This variant is present in population databases (rs761527560, gnomAD 0.04%). This sequence change replaces serine, which is neutral and polar, with phenylalanine, which is neutral and non-polar, at codon 165 of the NEUROG3 protein (p.Ser165Phe). An algorithm developed to predict the effect of missense changes on protein structure and function (PolyPhen-2) suggests that this variant is likely to be disruptive. In summary, the available evidence is currently insufficient to determine the role of this variant in disease. Therefore, it has been classified as a Variant of Uncertain Significance.

NM_020999.4(NEUROG3):c.494C>T (p.Ser165Phe)

Gene: NEUROG3 (neurogenin 3; minus strand). Cytogenetic location: 10q22.1.
Variant type: single nucleotide variant.
Coding change: c.494C>T on transcript NM_020999.4 (MANE Select); coding-DNA position 494, C replaced by T.
Protein change: p.Ser165Phe; replaces serine 165 with phenylalanine.
Molecular consequence: missense variant.
Genome position (GRCh38, 1-based): chr10:69,572,550, G>A on the plus strand (C>T on the coding strand, the complement: NEUROG3 is on the minus strand). VCF-style: chr10-69572550-G-A. GRCh37 (hg19) VCF-style: chr10-71332306-G-A.
Other names: c.494C>T (NM_020999.3); short protein forms S165F.
Identifiers: ClinVar variation 2180856 (VCV002180856.5), dbSNP rs761527560, ClinGen allele CA5533688.